The following is an entry in ClinVar:

NM_000503.6(EYA1):c.1775T>G (p.Leu592Arg)

Gene: EYA1 (EYA transcriptional coactivator and phosphatase 1; minus strand). Cytogenetic location: 8q13.3.
Variant type: single nucleotide variant.
Coding change: c.1775T>G on transcript NM_000503.6 (MANE Select); coding-DNA position 1775, T replaced by G.
Protein change: p.Leu592Arg; replaces leucine 592 with arginine.
Molecular consequence: missense variant.
Genome position (GRCh38, 1-based): chr8:71,199,344, A>C on the plus strand (T>G on the coding strand, the complement: EYA1 is on the minus strand). VCF-style: chr8-71199344-A-C. GRCh37 (hg19) VCF-style: chr8-72111579-A-C.
Other names: c.1757T>G, p.Leu586Arg (NM_001288574.2, NM_172059.5); c.1409T>G, p.Leu470Arg (NM_001288575.2); c.1862T>G, p.Leu621Arg (NM_001370333.1); c.1775T>G, p.Leu592Arg (NM_001370334.1, NM_001370335.1, NM_172058.4); c.1754T>G, p.Leu585Arg (NM_001370336.1); c.1676T>G, p.Leu559Arg (NM_001411797.1, NM_172060.4); short protein forms L470R, L586R, L621R, L559R, L585R, L592R.
Identifiers: ClinVar variation 4720590 (VCV004720590.1).

ClinVar aggregate classification (germline): Uncertain significance (1 of 4 stars; one submission).

Conditions:
Melnick-Fraser syndrome (BOR). Also called: Branchio-oto-renal syndrome; Branchiootorenal syndrome; Branchiootorenal Syndrome (BORS). Identifiers: Orphanet 107, MedGen C0265234, MONDO:0007029.

Submission:

Labcorp Genetics (formerly Invitae), Labcorp
Classification: Uncertain significance for Melnick-Fraser syndrome. Last evaluated: 2025-12-03. Review status: criteria provided, single submitter. Criteria: Invitae Variant Classification Sherloc (09022015). Collection method: clinical testing. Allele origin: germline.
Comment: This sequence change replaces leucine, which is neutral and non-polar, with arginine, which is basic and polar, at codon 592 of the EYA1 protein (p.Leu592Arg). This variant is not present in population databases (gnomAD no frequency). This variant has not been reported in the literature in individuals affected with EYA1-related conditions. Invitae Evidence Modeling of protein sequence and biophysical properties (such as structural, functional, and spatial information, amino acid conservation, physicochemical variation, residue mobility, and thermodynamic stability) has been performed for this missense variant. However, the output from this modeling did not meet the statistical confidence thresholds required to predict the impact of this variant on EYA1 protein function. In summary, the available evidence is currently insufficient to determine the role of this variant in disease. Therefore, it has been classified as a Variant of Uncertain Significance.